The following is an entry in ClinVar:

NM_001009944.3(PKD1):c.5018del (p.Gly1673fs)

Gene: PKD1 (polycystin 1, transient receptor potential channel interacting; minus strand). Cytogenetic location: 16p13.3.
Variant type: Deletion.
Coding change: c.5018del on transcript NM_001009944.3 (MANE Select); coding-DNA position 5018, one base deleted (G; older notation c.5018delG).
Protein change: p.Gly1673fs; shifts the reading frame from glycine 1673.
Molecular consequence: frameshift variant.
Genome position (GRCh38, 1-based): chr16:2,110,149, C deleted on the plus strand (G on the coding strand, the reverse complement: PKD1 is on the minus strand); the first of 4 consecutive C bases (chr16:2,110,149-2,110,152); deleting any one gives the same sequence. VCF-style (leftmost placement, unchanged base first): chr16-2110148-GC-G. GRCh37 (hg19) VCF-style: chr16-2160149-GC-G.
Other names: c.5018del, p.Gly1673fs (NM_000296.4); short protein forms G1673fs.
Identifiers: ClinVar variation 805168 (VCV000805168.2), dbSNP rs1596556800, ClinGen allele CA915949025.

ClinVar aggregate classification (germline): Pathogenic. Review status: criteria provided, multiple submitters, no conflicts (2 of 4 stars). 2 submissions from 2 submitters: Pathogenic (2). Last evaluated 2024-05-29.

Conditions:
Polycystic kidney disease, adult type (PKD1). Also called: POLYCYSTIC KIDNEY DISEASE 1 WITH OR WITHOUT POLYCYSTIC LIVER DISEASE; POLYCYSTIC KIDNEY DISEASE, ADULT, TYPE I; Polycystic Kidney, Autosomal Dominant; Polycystic Kidney Disease 1, Autosomal Dominant; Polycystic kidney disease 1; Polycystic kidney disease 1, severe. Identifiers: MedGen C3149841, MONDO:0008263, OMIM 173900.

Submissions (2):

Fulgent Genetics
Classification: Pathogenic for Polycystic kidney disease, adult type. Last evaluated: 2024-05-29. Review status: criteria provided, single submitter. Criteria: ACMG Guidelines, 2015. Collection method: clinical testing. Allele origin: germline.

Athena Diagnostics
Classification: Pathogenic. Last evaluated: 2019-02-26. Review status: criteria provided, single submitter. Criteria: Athena Diagnostics Criteria. Collection method: clinical testing. Allele origin: germline.
Comment: The variant results in a shift of the reading frame, and is therefore predicted to result in the loss of a functional protein. Found in at least one symptomatic patient, and not found in general population data.